The following is an entry in ClinVar:

ClinVar aggregate classification (germline): Likely benign (0 of 4 stars; one submission).

Conditions:
NIPBL-related disorder. Also called: NIPBL-related condition.

gnomAD v4.1: 6 of 1,612,836 alleles (0.00037%); highest among the groups gnomAD compares: African/African-American, 0.008%; no homozygotes.

Submission:

PreventionGenetics, part of Exact Sciences
Classification: Likely benign for NIPBL-related condition. Last evaluated: 2019-03-25. Review status: no assertion criteria provided. Collection method: clinical testing. Allele origin: germline.
Comment: This variant is classified as likely benign based on ACMG/AMP sequence variant interpretation guidelines (Richards et al. 2015 PMID: 25741868, with internal and published modifications).

NM_133433.4(NIPBL):c.6109-4A>T

Gene: NIPBL (NIPBL cohesin loading factor; plus strand). Cytogenetic location: 5p13.2.
Variant type: single nucleotide variant.
Coding change: c.6109-4A>T on transcript NM_133433.4 (MANE Select); 4 bases into the intron before coding-DNA position 6109, A replaced by T.
Molecular consequence: intron variant.
Genome position (GRCh38, 1-based): chr5:37,044,343, A>T. VCF-style: chr5-37044343-A-T. GRCh37 (hg19) VCF-style: chr5-37044445-A-T.
Other names: c.6109-4A>T (NM_015384.5).
Identifiers: ClinVar variation 3353057 (VCV003353057.1).